The following is an entry in ClinVar:

ClinVar aggregate classification (germline): Uncertain significance (1 of 4 stars; one submission).

Submission:

Labcorp Genetics (formerly Invitae), Labcorp
Classification: Uncertain significance. Last evaluated: 2024-10-16. Review status: criteria provided, single submitter. Criteria: Invitae Variant Classification Sherloc (09022015). Collection method: clinical testing. Allele origin: germline.
Comment: This sequence change replaces phenylalanine, which is neutral and non-polar, with leucine, which is neutral and non-polar, at codon 393 of the SLC18A2 protein (p.Phe393Leu). This variant is not present in population databases (gnomAD no frequency). This variant has not been reported in the literature in individuals affected with SLC18A2-related conditions. An algorithm developed to predict the effect of missense changes on protein structure and function (PolyPhen-2) suggests that this variant is likely to be tolerated. In summary, the available evidence is currently insufficient to determine the role of this variant in disease. Therefore, it has been classified as a Variant of Uncertain Significance.

NM_003054.6(SLC18A2):c.1179T>G (p.Phe393Leu)

Gene: SLC18A2 (solute carrier family 18 member A2; plus strand). Cytogenetic location: 10q25.3.
Variant type: single nucleotide variant.
Coding change: c.1179T>G on transcript NM_003054.6 (MANE Select); coding-DNA position 1179, T replaced by G.
Protein change: p.Phe393Leu; replaces phenylalanine 393 with leucine.
Molecular consequence: missense variant.
Genome position (GRCh38, 1-based): chr10:117,267,729, T>G. VCF-style: chr10-117267729-T-G. GRCh37 (hg19) VCF-style: chr10-119027240-T-G.
Other names: short protein forms F393L.
Identifiers: ClinVar variation 3675016 (VCV003675016.2).